The following is an entry in ClinVar:

ClinVar aggregate classification (germline): Uncertain significance. Review status: criteria provided, multiple submitters, no conflicts (2 of 4 stars). 2 submissions from 2 submitters: Uncertain significance (2). Last evaluated 2024-11-27.

Conditions:
Hereditary cancer-predisposing syndrome. Also called: Tumor predisposition; Neoplastic Syndromes, Hereditary; Hereditary Cancer Syndrome; Hereditary neoplastic syndrome. Identifiers: Orphanet 140162, MedGen C0027672, MeSH D009386, MONDO:0015356.
Familial cancer of breast. Also called: Hereditary breast cancer; BREAST CANCER, FAMILIAL; hereditary breast carcinoma. Identifiers: Orphanet 227535, MedGen C0346153, MONDO:0016419, OMIM 114480. Disease mechanism: loss of function.

Submissions (2):

Labcorp Genetics (formerly Invitae), Labcorp
Classification: Uncertain significance for Familial cancer of breast. Last evaluated: 2024-11-27. Review status: criteria provided, single submitter. Criteria: Invitae Variant Classification Sherloc (09022015). Collection method: clinical testing. Allele origin: germline.
Comment: This sequence change replaces leucine, which is neutral and non-polar, with proline, which is neutral and non-polar, at codon 1045 of the PALB2 protein (p.Leu1045Pro). This variant is not present in population databases (gnomAD no frequency). This variant has not been reported in the literature in individuals affected with PALB2-related conditions. ClinVar contains an entry for this variant (Variation ID: 1727997). Invitae Evidence Modeling of protein sequence and biophysical properties (such as structural, functional, and spatial information, amino acid conservation, physicochemical variation, residue mobility, and thermodynamic stability) indicates that this missense variant is expected to disrupt PALB2 protein function with a positive predictive value of 80%. In summary, the available evidence is currently insufficient to determine the role of this variant in disease. Therefore, it has been classified as a Variant of Uncertain Significance.

Ambry Genetics
Classification: Uncertain significance for Hereditary cancer-predisposing syndrome. Last evaluated: 2021-10-05. Review status: criteria provided, single submitter. Criteria: Ambry Variant Classification Scheme 2023. Collection method: clinical testing. Allele origin: germline.
Comment: The p.L1045P variant (also known as c.3134T>C), located in coding exon 11 of the PALB2 gene, results from a T to C substitution at nucleotide position 3134. The leucine at codon 1045 is replaced by proline, an amino acid with similar properties. This amino acid position is conserved. In addition, the in silico prediction for this alteration is inconclusive. Since supporting evidence is limited at this time, the clinical significance of this alteration remains unclear.

NM_024675.4(PALB2):c.3134T>C (p.Leu1045Pro)

Gene: PALB2 (partner and localizer of BRCA2; minus strand). Cytogenetic location: 16p12.2.
Variant type: single nucleotide variant.
Coding change: c.3134T>C on transcript NM_024675.4 (MANE Select); coding-DNA position 3134, T replaced by C.
Protein change: p.Leu1045Pro; replaces leucine 1045 with proline.
Molecular consequence: missense variant.
Genome position (GRCh38, 1-based): chr16:23,614,071, A>G on the plus strand (T>C on the coding strand, the complement: PALB2 is on the minus strand). VCF-style: chr16-23614071-A-G. GRCh37 (hg19) VCF-style: chr16-23625392-A-G.
Other names: c.3074T>C, p.Leu1025Pro (NM_001407296.1); c.3062T>C, p.Leu1021Pro (NM_001407297.1); c.2972T>C, p.Leu991Pro (NM_001407298.1, NM_001407302.1); c.2855T>C, p.Leu952Pro (NM_001407300.1); c.3134T>C, p.Leu1045Pro (NM_001407301.1); c.2249T>C, p.Leu750Pro (NM_001407304.1, NM_001407305.1, NM_001407306.1 and 2 more transcripts); c.2087T>C, p.Leu696Pro (NM_001407307.1); c.1346T>C, p.Leu449Pro (NM_001407312.1, NM_001407313.1); and 1 more; short protein forms L1021P, L1025P, L1045P, L223P, L449P, L750P, L696P, L952P.
Identifiers: ClinVar variation 1727997 (VCV001727997.4), dbSNP rs1966636462, ClinGen allele CA395141392.